The following is an entry in ClinVar:

NM_015512.5(DNAH1):c.1263G>T (p.Thr421=)

Gene: DNAH1 (dynein axonemal heavy chain 1; plus strand). Cytogenetic location: 3p21.1.
Variant type: single nucleotide variant.
Coding change: c.1263G>T on transcript NM_015512.5 (MANE Select); coding-DNA position 1263, G replaced by T.
Protein change: p.Thr421=; no amino-acid change (threonine 421 retained).
Molecular consequence: synonymous variant.
Genome position (GRCh38, 1-based): chr3:52,332,371, G>T. VCF-style: chr3-52332371-G-T. GRCh37 (hg19) VCF-style: chr3-52366387-G-T.
Identifiers: ClinVar variation 771257 (VCV000771257.36), dbSNP rs111568726, ClinGen allele CA2432907.
Genomic context (GRCh38, chr3:52,332,371, plus strand): 5'-CGGCCAGCATGTCATCAGTGAACAGAGCCTGAGCAAGATCAAGCAGTGGGCCCTGAGCAC[G>T]CCTCGGATGCGCAAAGGCCCCTCGTGAGTCCCCGCTCGGCCTTCCCTATTCTGGGCATCA-3'
Protein context (NP_056327.4, residues 411-431): LSKIKQWALS[Thr421=]PRMRKGPSVL

ClinVar aggregate classification (germline): Conflicting classifications of pathogenicity. Review status: criteria provided, conflicting classifications (1 of 4 stars). 4 submissions from 4 submitters: Uncertain significance (1); Likely benign (3). Last evaluated 2025-11-01.

Conditions:
Ciliary dyskinesia, primary, 37 (CILD37). Also called: CILIARY DYSKINESIA, PRIMARY, 37, WITH OR WITHOUT SITUS INVERSUS. Identifiers: MedGen C4539798, MONDO:0033204, OMIM 617577.
Spermatogenic failure 18. Identifiers: MedGen C4539783, MONDO:0054615, OMIM 617576.

Allele frequency attached by ClinVar (database versions not stated): gnomAD 0.00016 and 0.00021; 1000 Genomes Project 0.00020; TOPMed 0.00020; 1000 Genomes Project 30x 0.00031.
gnomAD v4.1: 170 of 1,613,570 alleles (0.011%); highest among the groups gnomAD compares: Middle Eastern, 0.13%; 4 homozygotes.

Submissions (4):

Labcorp Genetics (formerly Invitae), Labcorp
Classification: Likely benign for Ciliary dyskinesia, primary, 37; Spermatogenic failure 18. Last evaluated: 2025-11-01. Review status: criteria provided, single submitter. Criteria: Invitae Variant Classification Sherloc (09022015). Collection method: clinical testing. Allele origin: germline.

Blueprint Genetics
Classification: Likely benign. Last evaluated: 2024-11-11. Review status: criteria provided, single submitter. Criteria: ACMG Guidelines, 2015. Collection method: clinical testing. Allele origin: germline.

CeGaT Center for Human Genetics Tuebingen
Classification: Likely benign. Last evaluated: 2023-06-01. Review status: criteria provided, single submitter. Criteria: CeGaT Center For Human Genetics Tuebingen Variant Classification Criteria Version 2. Collection method: clinical testing. Allele origin: germline. Affected: yes. Observed: 1 variant allele.
Comment: DNAH1: BP4, BP7

Baylor Genetics
Classification: Uncertain significance for Ciliary dyskinesia, primary, 37. Last evaluated: 2019-09-06. Review status: criteria provided, single submitter. Criteria: ACMG Guidelines, 2015. Collection method: clinical testing. Allele origin: unknown. Affected: yes.
Comment: This variant was determined to be of uncertain significance according to ACMG Guidelines, 2015 [PMID:25741868].